The following is an entry in ClinVar:

ClinVar aggregate classification (germline): Uncertain significance (1 of 4 stars; one submission).

Conditions:
Cardiovascular phenotype. Identifiers: MedGen CN230736.

Submission:

Ambry Genetics
Classification: Uncertain significance for Cardiovascular phenotype. Last evaluated: 2022-02-11. Review status: criteria provided, single submitter. Criteria: Ambry Variant Classification Scheme 2023. Collection method: clinical testing. Allele origin: germline.
Comment: The p.L11P variant (also known as c.32T>C), located in coding exon 2 of the NEXN gene, results from a T to C substitution at nucleotide position 32. The leucine at codon 11 is replaced by proline, an amino acid with similar properties. This amino acid position is conserved. In addition, this alteration is predicted to be deleterious by in silico analysis. Since supporting evidence is limited at this time, the clinical significance of this alteration remains unclear.

NM_144573.4(NEXN):c.32T>C (p.Leu11Pro)

Gene: NEXN (nexilin F-actin binding protein; plus strand). Cytogenetic location: 1p31.1.
Variant type: single nucleotide variant.
Coding change: c.32T>C on transcript NM_144573.4 (MANE Select); coding-DNA position 32, T replaced by C.
Protein change: p.Leu11Pro; replaces leucine 11 with proline.
Molecular consequence: missense variant. On other transcripts: intron variant (1).
Genome position (GRCh38, 1-based): chr1:77,917,570, T>C. VCF-style: chr1-77917570-T-C. GRCh37 (hg19) VCF-style: chr1-78383255-T-C.
Other names: c.28-390T>C (NM_001172309.2); short protein forms L11P.
Identifiers: ClinVar variation 1729964 (VCV001729964.2), dbSNP rs2526781056, ClinGen allele CA340884893.
Genomic context (GRCh38, chr1:77,917,570, plus strand): 5'-TAATTTCTTCCTATCTTTTTCGTTAACTTTCTTTTTTTTATTTTCTTCTAATGAAGATTC[T>C]GCTTTCTTCATCTAAACCTGTCCCAAAAACCTATGTACCAAAACTTGGCAAGGGTGATGT-3'
Protein context (NP_653174.3, residues 1-21): MNDISQKAEI[Leu11Pro]LSSSKPVPKT